The following is an entry in ClinVar:

NM_144997.7(FLCN):c.1337G>A (p.Arg446His)

Gene: FLCN (folliculin; minus strand). Cytogenetic location: 17p11.2.
Variant type: single nucleotide variant.
Coding change: c.1337G>A on transcript NM_144997.7 (MANE Select); coding-DNA position 1337, G replaced by A.
Protein change: p.Arg446His; replaces arginine 446 with histidine.
Molecular consequence: missense variant.
Genome position (GRCh38, 1-based): chr17:17,215,280, C>T on the plus strand (G>A on the coding strand, the complement: FLCN is on the minus strand). VCF-style: chr17-17215280-C-T. GRCh37 (hg19) VCF-style: chr17-17118594-C-T.
Other names: c.1337G>A (LRG_325t1); c.1391G>A, p.Arg464His (NM_001353229.2); c.1337G>A, p.Arg446His (NM_001353230.2, NM_001353231.2); short protein forms R464H, R446H.
Identifiers: ClinVar variation 653565 (VCV000653565.16), dbSNP rs750104212, ClinGen allele CA8416025.

ClinVar aggregate classification (germline): Conflicting classifications of pathogenicity. Review status: criteria provided, conflicting classifications (1 of 4 stars). 5 submissions from 5 submitters: Uncertain significance (4); Likely benign (1). Last evaluated 2026-09-02.

Conditions:
FLCN-related disorder. Also called: FLCN-related condition.
Colorectal cancer. Also called: Malignant Colorectal Neoplasm; Colorectal cancer, somatic. Identifiers: MedGen C0346629, MONDO:0005575, OMIM 114500.
17p11.2 microduplication syndrome (PTLS). Also called: CHROMOSOME 17p11.2 DUPLICATION SYNDROME; Potocki-Lupski syndrome; Duplication 17p11.2 syndrome; Potocki-Lupski syndrome (dup(17)(p11.2p11.2)). Identifiers: Orphanet 1713, MedGen C2931246, MONDO:0012574, OMIM 610883.
Nonpapillary renal cell carcinoma. Identifiers: Orphanet 422526, MedGen CN074294, MONDO:0007763, OMIM 144700.
Familial spontaneous pneumothorax (PSP). Identifiers: Orphanet 2903, MedGen C1868193, MONDO:0008259, OMIM 173600.
Birt-Hogg-Dube syndrome. Also called: Birt Hogg Dubé syndrome. Identifiers: Orphanet 122, MedGen C0346010, MONDO:0800444.
Hereditary cancer-predisposing syndrome. Also called: Neoplastic Syndromes, Hereditary; Tumor predisposition; Hereditary neoplastic syndrome; Hereditary Cancer Syndrome. Identifiers: Orphanet 140162, MedGen C0027672, MeSH D009386, MONDO:0015356.

Allele frequency attached by ClinVar (database versions not stated): gnomAD exomes below 0.00001; ExAC 0.00001.
gnomAD v4.1: 26 of 1,614,134 alleles (0.0016%); highest among the groups gnomAD compares: Non-Finnish European, 0.002%; no homozygotes.

Submissions (5):

PreventionGenetics, part of Exact Sciences
Classification: Uncertain significance for FLCN-related condition. Last evaluated: 2026-09-02. Review status: criteria provided, single submitter. Criteria: ACMG Guidelines, 2015. Collection method: clinical testing. Allele origin: germline.
Comment: The FLCN c.1337G>A variant is predicted to result in the amino acid substitution p.Arg446His. To our knowledge, this variant has not been reported in the literature. This variant is reported in 0.0054% of alleles in individuals of East Asian descent in gnomAD. This variant has conflicting interpretations in ClinVar ranging from uncertain to likely benign (Variation ID: 653565). At this time, the clinical significance of this variant is uncertain due to the absence of conclusive functional and genetic evidence.

Labcorp Genetics (formerly Invitae), Labcorp
Classification: Uncertain significance for Birt-Hogg-Dube syndrome. Last evaluated: 2026-02-03. Review status: criteria provided, single submitter. Criteria: Invitae Variant Classification Sherloc (09022015). Collection method: clinical testing. Allele origin: germline.
Comment: This sequence change replaces arginine, which is basic and polar, with histidine, which is basic and polar, at codon 446 of the FLCN protein (p.Arg446His). This variant is not present in population databases (gnomAD no frequency). This variant has not been reported in the literature in individuals affected with FLCN-related conditions. ClinVar contains an entry for this variant (Variation ID: 653565). Invitae Evidence Modeling of protein sequence and biophysical properties (such as structural, functional, and spatial information, amino acid conservation, physicochemical variation, residue mobility, and thermodynamic stability) indicates that this missense variant is not expected to disrupt FLCN protein function with a negative predictive value of 80%. In summary, the available evidence is currently insufficient to determine the role of this variant in disease. Therefore, it has been classified as a Variant of Uncertain Significance.

Ambry Genetics
Classification: Likely benign for Hereditary cancer-predisposing syndrome. Last evaluated: 2023-01-17. Review status: criteria provided, single submitter. Criteria: Ambry Variant Classification Scheme 2023. Collection method: clinical testing. Allele origin: germline.

GeneDx
Classification: Uncertain significance. Last evaluated: 2022-05-12. Review status: criteria provided, single submitter. Criteria: GeneDx Variant Classification Process June 2021. Collection method: clinical testing. Allele origin: germline. Affected: yes.
Comment: Not observed at significant frequency in large population cohorts (gnomAD); In silico analysis supports that this missense variant does not alter protein structure/function; Has not been previously published as pathogenic or benign to our knowledge

Fulgent Genetics
Classification: Uncertain significance for Colorectal cancer; Birt-Hogg-Dube syndrome 1; Nonpapillary renal cell carcinoma; Familial spontaneous pneumothorax; 17p11.2 microduplication syndrome. Last evaluated: 2022-01-06. Review status: criteria provided, single submitter. Criteria: ACMG Guidelines, 2015. Collection method: clinical testing. Allele origin: unknown.